The following is an entry in ClinVar:

NM_000256.3(MYBPC3):c.1831_1887dup (p.Glu611_Leu629dup)

Gene: MYBPC3 (myosin binding protein C3; minus strand). Cytogenetic location: 11p11.2.
Variant type: Duplication.
Coding change: c.1831_1887dup on transcript NM_000256.3 (MANE Select); coding-DNA positions 1831 to 1887, 57 bases duplicated.
Protein change: p.Glu611_Leu629dup.
Molecular consequence: inframe insertion.
Genome position (GRCh38, 1-based): chr11:47,341,148-47,341,204, 57 bases duplicated. GRCh37 (hg19): chr11:47,362,700-47,362,756.
Identifiers: ClinVar variation 1371480 (VCV001371480.6), dbSNP rs2142859193, ClinGen allele CA2573147067.

ClinVar aggregate classification (germline): Uncertain significance (1 of 4 stars; one submission).

Conditions:
Hypertrophic cardiomyopathy. Also called: HYPERTROPHIC MYOCARDIOPATHY. Identifiers: Orphanet 217569, MedGen C0007194, MeSH D002312, MONDO:0005045, HP:0001639.

Submission:

Labcorp Genetics (formerly Invitae), Labcorp
Classification: Uncertain significance for Hypertrophic cardiomyopathy. Last evaluated: 2021-08-03. Review status: criteria provided, single submitter. Criteria: Invitae Variant Classification Sherloc (09022015). Collection method: clinical testing. Allele origin: germline.
Comment: In summary, the available evidence is currently insufficient to determine the role of this variant in disease. Therefore, it has been classified as a Variant of Uncertain Significance. This variant, c.1831_1887dup, results in the insertion of 19 amino acid(s) to the MYBPC3 protein (p.Glu611_Leu629dup), but otherwise preserves the integrity of the reading frame. This variant is not present in population databases (ExAC no frequency). This variant has not been reported in the literature in individuals affected with MYBPC3-related conditions. Algorithms developed to predict the effect of sequence changes on RNA splicing suggest that this variant may create or strengthen a splice site.